The following is an entry in ClinVar:

NM_017514.5(PLXNA3):c.4013A>T (p.His1338Leu)

Gene: PLXNA3 (plexin A3; plus strand). Cytogenetic location: Xq28.
Variant type: single nucleotide variant.
Coding change: c.4013A>T on transcript NM_017514.5 (MANE Select); coding-DNA position 4013, A replaced by T.
Protein change: p.His1338Leu; replaces histidine 1338 with leucine.
Molecular consequence: missense variant.
Genome position (GRCh38, 1-based): chrX:154,468,352, A>T. VCF-style: chrX-154468352-A-T. GRCh37 (hg19) VCF-style: chrX-153696695-A-T.
Other names: c.4013A>T (NM_017514.3); short protein forms H1338L.
Identifiers: ClinVar variation 3355873 (VCV003355873.2).

ClinVar aggregate classification (germline): Uncertain significance. Review status: criteria provided, single submitter (1 of 4 stars). 2 submissions from 2 submitters: Uncertain significance (1). 1 of the submissions does not count toward it. Last evaluated 2024-10-16.

Conditions:
PLXNA3-related disorder. Also called: PLXNA3-related condition.

gnomAD v4.1: 7 of 1,208,080 alleles (0.00058%); highest among the groups gnomAD compares: Admixed American, 0.015%; no homozygotes.

Submissions (2):

Ambry Genetics
Classification: Uncertain significance. Last evaluated: 2024-10-16. Review status: criteria provided, single submitter. Criteria: Ambry Variant Classification Scheme 2023. Collection method: clinical testing. Allele origin: germline.

PreventionGenetics, part of Exact Sciences
Classification: Uncertain significance for PLXNA3-related condition. Last evaluated: 2024-08-20. Review status: no assertion criteria provided. Collection method: clinical testing. Allele origin: germline. Not counted in ClinVar's aggregate classification.
Comment: The PLXNA3 c.4013A>T variant is predicted to result in the amino acid substitution p.His1338Leu. To our knowledge, this variant has not been reported in the literature. This variant is reported in 0.022% of alleles in individuals of Latino descent in gnomAD. At this time, the clinical significance of this variant is uncertain due to the absence of conclusive functional and genetic evidence.